The following is an entry in ClinVar:

ClinVar aggregate classification (germline): Uncertain significance (1 of 4 stars; one submission).

Conditions:
Juvenile polyposis syndrome (JPS). Identifiers: Orphanet 2929, MedGen C0345893, MONDO:0017380, OMIM 174900.

Submission:

Labcorp Genetics (formerly Invitae), Labcorp
Classification: Uncertain significance for Juvenile polyposis syndrome. Last evaluated: 2026-01-02. Review status: criteria provided, single submitter. Criteria: Invitae Variant Classification Sherloc (09022015). Collection method: clinical testing. Allele origin: germline.
Comment: This sequence change replaces serine, which is neutral and polar, with phenylalanine, which is neutral and non-polar, at codon 206 of the SMAD4 protein (p.Ser206Phe). This variant is not present in population databases (gnomAD no frequency). This variant has not been reported in the literature in individuals affected with SMAD4-related conditions. Invitae Evidence Modeling of protein sequence and biophysical properties (such as structural, functional, and spatial information, amino acid conservation, physicochemical variation, residue mobility, and thermodynamic stability) has been performed for this missense variant. However, the output from this modeling did not meet the statistical confidence thresholds required to predict the impact of this variant on SMAD4 protein function. In summary, the available evidence is currently insufficient to determine the role of this variant in disease. Therefore, it has been classified as a Variant of Uncertain Significance.

NM_005359.6(SMAD4):c.617C>T (p.Ser206Phe)

Gene: SMAD4 (SMAD family member 4; plus strand). Cytogenetic location: 18q21.2.
Variant type: single nucleotide variant.
Coding change: c.617C>T on transcript NM_005359.6 (MANE Select); coding-DNA position 617, C replaced by T.
Protein change: p.Ser206Phe; replaces serine 206 with phenylalanine.
Molecular consequence: missense variant. On other transcripts: non-coding transcript variant (2).
Genome position (GRCh38, 1-based): chr18:51,054,943, C>T. VCF-style: chr18-51054943-C-T. GRCh37 (hg19) VCF-style: chr18-48581313-C-T.
Other names: c.617C>T, p.Ser206Phe (NM_001407041.1, NM_001407042.1, NM_001407043.1); short protein forms S206F.
Identifiers: ClinVar variation 4803021 (VCV004803021.1).